The following is an entry in ClinVar:

NM_003640.5(ELP1):c.1017C>A (p.Ser339Arg)

Gene: ELP1 (elongator acetyltransferase complex subunit 1; minus strand). Cytogenetic location: 9q31.3.
Variant type: single nucleotide variant.
Coding change: c.1017C>A on transcript NM_003640.5 (MANE Select); coding-DNA position 1017, C replaced by A.
Protein change: p.Ser339Arg; replaces serine 339 with arginine.
Molecular consequence: missense variant. On other transcripts: 5 prime UTR variant (1).
Genome position (GRCh38, 1-based): chr9:108,912,436, G>T on the plus strand (C>A on the coding strand, the complement: ELP1 is on the minus strand). VCF-style: chr9-108912436-G-T. GRCh37 (hg19) VCF-style: chr9-111674716-G-T.
Other names: p.Ser339Arg; c.1017C>A (LRG_251t1, NM_003640.4); c.675C>A, p.Ser225Arg (NM_001318360.2); c.-31C>A (NM_001330749.2); short protein forms S339R, S225R.
Identifiers: ClinVar variation 455950 (VCV000455950.24), dbSNP rs56053149, ClinGen allele CA5175150.

ClinVar aggregate classification (germline): Benign/Likely benign. Review status: criteria provided, multiple submitters, no conflicts (2 of 4 stars). 9 submissions from 9 submitters: Benign (5); Likely benign (3). 1 of the submissions does not count toward it. Last evaluated 2026-01-26.

Conditions:
ELP1-related disorder. Also called: ELP1-related condition.
Familial dysautonomia. Also called: HSAN III; FD. Identifiers: Orphanet 1764, MedGen C0013364, MONDO:0009131, OMIM 223900. Disease mechanism: loss of function.

Allele frequency attached by ClinVar (database versions not stated): gnomAD 0.00003; TOPMed 0.00003; 1000 Genomes Project 0.00499; 1000 Genomes Project 30x 0.00515.

Submissions (9):

Labcorp Genetics (formerly Invitae), Labcorp
Classification: Benign. Last evaluated: 2026-01-26. Review status: criteria provided, single submitter. Criteria: Invitae Variant Classification Sherloc (09022015). Collection method: clinical testing. Allele origin: germline.

PreventionGenetics, part of Exact Sciences
Classification: Benign for ELP1-related condition. Last evaluated: 2025-07-08. Review status: criteria provided, single submitter. Criteria: ACMG Guidelines, 2015. Collection method: clinical testing. Allele origin: germline.
Comment: This variant is classified as benign based on ACMG/AMP sequence variant interpretation guidelines (Richards et al. 2015 PMID: 25741868, with internal and published modifications).

Mayo Clinic Laboratories, Mayo Clinic
Classification: Benign. Last evaluated: 2025-03-07. Review status: criteria provided, single submitter. Criteria: ACMG Guidelines, 2015. Collection method: clinical testing. Allele origin: germline. Observed: 1 variant allele.
Comment: BS1, BS2, BP4_moderate

ARUP Laboratories, Molecular Genetics and Genomics, ARUP Laboratories
Classification: Benign. Last evaluated: 2023-12-08. Review status: criteria provided, single submitter. Criteria: ARUP Molecular Germline Variant Investigation Process 2024. Collection method: clinical testing. Allele origin: germline.

Ambry Genetics
Classification: Likely benign. Last evaluated: 2021-08-10. Review status: criteria provided, single submitter. Criteria: Ambry Variant Classification Scheme 2023. Collection method: clinical testing. Allele origin: germline.

Illumina Laboratory Services, Illumina
Classification: Likely benign for Familial dysautonomia. Last evaluated: 2018-01-12. Review status: criteria provided, single submitter. Criteria: ICSL Variant Classification Criteria 13 December 2019. Collection method: clinical testing. Allele origin: germline.
Comment: This variant was observed in the ICSL laboratory as part of a predisposition screen in an ostensibly healthy population. It had not been previously curated by ICSL or reported in the Human Gene Mutation Database (HGMD: prior to June 1st, 2018), and was therefore a candidate for classification through an automated scoring system. Utilizing variant allele frequency, disease prevalence and penetrance estimates, and inheritance mode, an automated score was calculated to assess if this variant is too frequent to cause the disease. Based on the score and internal cut-off values, a variant classified as likely benign is not then subjected to further curation. The score for this variant resulted in a classification of likely benign for this disease.

GeneDx
Classification: Benign. Last evaluated: 2017-03-16. Review status: criteria provided, single submitter. Criteria: GeneDx Variant Classification (06012015). Collection method: clinical testing. Allele origin: germline. Affected: yes.
Comment: This variant is considered likely benign or benign based on one or more of the following criteria: it is a conservative change, it occurs at a poorly conserved position in the protein, it is predicted to be benign by multiple in silico algorithms, and/or has population frequency not consistent with disease.

Breakthrough Genomics
Classification: Likely benign. Review status: criteria provided, single submitter. Criteria: ACMG Guidelines, 2015. Collection method: not provided. Allele origin: germline. Inheritance: Autosomal recessive inheritance. Affected: yes.

Natera, Inc.
Classification: Likely benign for Familial dysautonomia. Last evaluated: 2018-04-19. Review status: no assertion criteria provided. Collection method: clinical testing. Allele origin: germline. Not counted in ClinVar's aggregate classification.